The following is an entry in ClinVar:

ClinVar aggregate classification (germline): Uncertain significance (1 of 4 stars; one submission).

Conditions:
Ullrich congenital muscular dystrophy 2 (UCMD2). Identifiers: Orphanet 75840, MedGen C4225314, MONDO:0014654, OMIM 616470.
Bethlem myopathy 2 (BTHLM2). Identifiers: Orphanet 536516, Orphanet 610, MedGen C4225313, MONDO:0034022, OMIM 616471.

Submissions (2):

Labcorp Genetics (formerly Invitae), Labcorp
Classification: Uncertain significance for Bethlem myopathy 2; Ullrich congenital muscular dystrophy 2. Last evaluated: 2026-01-06. Review status: criteria provided, single submitter. Criteria: Invitae Variant Classification Sherloc (09022015). Collection method: clinical testing. Allele origin: germline.
Comment: This sequence change affects codon 2859 of the COL12A1 mRNA. It is a 'silent' change, meaning that it does not change the encoded amino acid sequence of the COL12A1 protein. This variant also falls at the last nucleotide of exon 59, which is part of the consensus splice site for this exon. This variant is not present in population databases (gnomAD no frequency). This variant has not been reported in the literature in individuals affected with COL12A1-related conditions. ClinVar contains an entry for this variant (Variation ID: 853632). Variants that disrupt the consensus splice site are a relatively common cause of aberrant splicing (PMID: 17576681, 9536098). Algorithms developed to predict the effect of sequence changes on RNA splicing suggest that this variant may disrupt the consensus splice site. In summary, the available evidence is currently insufficient to determine the role of this variant in disease. Therefore, it has been classified as a Variant of Uncertain Significance.

Dr. Peter K. Rogan Lab, Western University
No classification provided (evidence only). Condition: Squamous cell carcinoma of the head and neck. Review status: no classification provided. Collection method: in vitro. Allele origin: not applicable. Functional consequence: retained intron. Not counted in ClinVar's aggregate classification.

Literature cited by the submitters: PubMed 17576681 (cited by Labcorp Genetics (formerly Invitae), Labcorp); PubMed 9536098 (cited by Labcorp Genetics (formerly Invitae), Labcorp).

NM_004370.6(COL12A1):c.8577G>A (p.Pro2859=)

Gene: COL12A1 (collagen type XII alpha 1 chain; minus strand). Cytogenetic location: 6q13.
Variant type: single nucleotide variant.
Coding change: c.8577G>A on transcript NM_004370.6 (MANE Select); coding-DNA position 8577, G replaced by A.
Protein change: p.Pro2859=; no amino-acid change (proline 2859 retained).
Molecular consequence: synonymous variant.
Genome position (GRCh38, 1-based): chr6:75,097,253, C>T on the plus strand (G>A on the coding strand, the complement: COL12A1 is on the minus strand). VCF-style: chr6-75097253-C-T. GRCh37 (hg19) VCF-style: chr6-75806969-C-T.
Other names: c.5085G>A, p.Pro1695= (NM_080645.3).
Identifiers: ClinVar variation 853632 (VCV000853632.9), dbSNP rs1768087709, ClinGen allele CA450922053.